The following is an entry in ClinVar:

NM_015404.4(WHRN):c.2364G>T (p.Arg788Ser)

Gene: WHRN (whirlin; minus strand). Cytogenetic location: 9q32.
Variant type: single nucleotide variant.
Coding change: c.2364G>T on transcript NM_015404.4 (MANE Select); coding-DNA position 2364, G replaced by T.
Protein change: p.Arg788Ser; replaces arginine 788 with serine.
Molecular consequence: missense variant.
Genome position (GRCh38, 1-based): chr9:114,403,950, C>A on the plus strand (G>T on the coding strand, the complement: WHRN is on the minus strand). VCF-style: chr9-114403950-C-A. GRCh37 (hg19) VCF-style: chr9-117166230-C-A.
Other names: c.1215G>T, p.Arg405Ser (NM_001083885.3); c.2361G>T, p.Arg787Ser (NM_001173425.2); c.1311G>T, p.Arg437Ser (NM_001346890.1); short protein forms R788S, R405S, R787S, R437S.
Identifiers: ClinVar variation 504993 (VCV000504993.5), dbSNP rs1441372523, ClinGen allele CA374619648.

ClinVar aggregate classification (germline): Uncertain significance (1 of 4 stars; one submission).

Allele frequency attached by ClinVar (database versions not stated): gnomAD exomes below 0.00001.
gnomAD v4.1: 2 of 1,611,534 alleles (0.00012%); highest among the groups gnomAD compares: Non-Finnish European, 0.00017%; no homozygotes.

Submission:

Laboratory for Molecular Medicine, Mass General Brigham Personalized Medicine
Classification: Uncertain significance. Last evaluated: 2016-04-25. Review status: criteria provided, single submitter. Criteria: LMM Criteria. Collection method: clinical testing. Allele origin: germline. Observed: 1 variant allele.
Comment: The p.Arg788Ser variant in DFNB31 has not been previously reported in individual s with hearing loss or in large population studies. Computational prediction to ols and conservation analysis suggest that the p.Arg788Ser variant may not impac t the protein, though this information is not predictive enough to rule out path ogenicity. In summary, the clinical significance of the p.Arg788Ser variant is u ncertain.